The following is an entry in ClinVar:

ClinVar aggregate classification (germline): Uncertain significance (1 of 4 stars; one submission).

Conditions:
Nephronophthisis. Also called: Juvenile Nephronophthisis. Identifiers: Orphanet 655, MedGen C0687120, MONDO:0019005, HP:0000090.

Allele frequency attached by ClinVar (database versions not stated): TOPMed below 0.00001; gnomAD 0.00001.
gnomAD v4.1: 9 of 1,599,296 alleles (0.00056%); highest among the groups gnomAD compares: East Asian, 0.0045%; no homozygotes.

Submission:

Labcorp Genetics (formerly Invitae), Labcorp
Classification: Uncertain significance for Nephronophthisis. Last evaluated: 2020-06-30. Review status: criteria provided, single submitter. Criteria: Invitae Variant Classification Sherloc (09022015). Collection method: clinical testing. Allele origin: germline.
Comment: In summary, the available evidence is currently insufficient to determine the role of this variant in disease. Therefore, it has been classified as a Variant of Uncertain Significance. Algorithms developed to predict the effect of missense changes on protein structure and function output the following: SIFT: "Tolerated"; PolyPhen-2: "Benign"; Align-GVGD: "Class C0". The threonine amino acid residue is found in multiple mammalian species, suggesting that this missense change does not adversely affect protein function. These predictions have not been confirmed by published functional studies and their clinical significance is uncertain. This variant has not been reported in the literature in individuals with NPHP4-related conditions. This variant is not present in population databases (ExAC no frequency). This sequence change replaces alanine with threonine at codon 227 of the NPHP4 protein (p.Ala227Thr). The alanine residue is moderately conserved and there is a small physicochemical difference between alanine and threonine.

NM_015102.5(NPHP4):c.679G>A (p.Ala227Thr)

Gene: NPHP4 (nephrocystin 4; minus strand). Cytogenetic location: 1p36.31.
Variant type: single nucleotide variant.
Coding change: c.679G>A on transcript NM_015102.5 (MANE Select); coding-DNA position 679, G replaced by A.
Protein change: p.Ala227Thr; replaces alanine 227 with threonine.
Molecular consequence: missense variant. On other transcripts: 5 prime UTR variant (1), non-coding transcript variant (1), intron variant (1).
Genome position (GRCh38, 1-based): chr1:5,952,831, C>T on the plus strand (G>A on the coding strand, the complement: NPHP4 is on the minus strand). VCF-style: chr1-5952831-C-T. GRCh37 (hg19) VCF-style: chr1-6012891-C-T.
Other names: c.-688G>A (NM_001291594.2); c.-556-4580G>A (NM_001291593.2); short protein forms A227T.
Identifiers: ClinVar variation 1050995 (VCV001050995.7), dbSNP rs1196644142, ClinGen allele CA338067184.